The following is an entry in ClinVar:

NM_019601.4(SUSD2):c.492G>A (p.Thr164=)

Gene: SUSD2 (sushi domain containing 2; plus strand). Cytogenetic location: 22q11.23.
Variant type: single nucleotide variant.
Coding change: c.492G>A on transcript NM_019601.4 (MANE Select); coding-DNA position 492, G replaced by A.
Protein change: p.Thr164=; no amino-acid change (threonine 164 retained).
Molecular consequence: synonymous variant.
Genome position (GRCh38, 1-based): chr22:24,184,188, G>A. VCF-style: chr22-24184188-G-A. GRCh37 (hg19) VCF-style: chr22-24580156-G-A.
Identifiers: ClinVar variation 775657 (VCV000775657.28), dbSNP rs114247596, ClinGen allele CA10150336.

ClinVar aggregate classification (germline): Benign/Likely benign. Review status: criteria provided, multiple submitters, no conflicts (2 of 4 stars). 3 submissions from 3 submitters: Benign (2); Likely benign (1). Last evaluated 2023-01-01.

Allele frequency attached by ClinVar (database versions not stated): 1000 Genomes Project 30x 0.00078; 1000 Genomes Project 0.00080; ESP Exome Variant Server 0.00169; gnomAD 0.00183 and 0.00192; TOPMed 0.00184; ExAC 0.00193.
gnomAD v4.1: 3,089 of 1,613,264 alleles (0.19%); highest among the groups gnomAD compares: Middle Eastern, 0.84%; 12 homozygotes.

Submissions (3):

CeGaT Center for Human Genetics Tuebingen
Classification: Likely benign. Last evaluated: 2023-01-01. Review status: criteria provided, single submitter. Criteria: CeGaT Center For Human Genetics Tuebingen Variant Classification Criteria Version 2. Collection method: clinical testing. Allele origin: germline. Affected: yes. Observed: 1 variant allele.
Comment: SUSD2: BP4, BP7

Labcorp Genetics (formerly Invitae), Labcorp
Classification: Benign. Last evaluated: 2018-03-02. Review status: criteria provided, single submitter. Criteria: Invitae Variant Classification Sherloc (09022015). Collection method: clinical testing. Allele origin: germline.

Breakthrough Genomics
Classification: Benign. Review status: criteria provided, single submitter. Criteria: ACMG Guidelines, 2015. Collection method: not provided. Allele origin: germline. Inheritance: Unknown mechanism. Affected: yes.